The following is an entry in ClinVar:

ClinVar aggregate classification (germline): Uncertain significance (1 of 4 stars; one submission).

Conditions:
Nephronophthisis 16 (NPHP16). Identifiers: Orphanet 655, MedGen C3809320, MONDO:0014158, OMIM 615382.

Allele frequency attached by ClinVar (database versions not stated): gnomAD exomes below 0.00001.
gnomAD v4.1: 1 of 1,613,594 alleles (0.000062%); highest among the groups gnomAD compares: Non-Finnish European, 0.000085%; no homozygotes.

Submission:

Labcorp Genetics (formerly Invitae), Labcorp
Classification: Uncertain significance for Nephronophthisis 16. Last evaluated: 2020-11-25. Review status: criteria provided, single submitter. Criteria: Invitae Variant Classification Sherloc (09022015). Collection method: clinical testing. Allele origin: germline.
Comment: This variant has not been reported in the literature in individuals with ANKS6-related conditions. This variant is not present in population databases (ExAC no frequency). This sequence change replaces lysine with glutamic acid at codon 373 of the ANKS6 protein (p.Lys373Glu). The lysine residue is highly conserved and there is a small physicochemical difference between lysine and glutamic acid. In summary, the available evidence is currently insufficient to determine the role of this variant in disease. Therefore, it has been classified as a Variant of Uncertain Significance. Algorithms developed to predict the effect of missense changes on protein structure and function (SIFT, PolyPhen-2, Align-GVGD) all suggest that this variant is likely to be tolerated, but these predictions have not been confirmed by published functional studies and their clinical significance is uncertain.

NM_173551.5(ANKS6):c.1117A>G (p.Lys373Glu)

Gene: ANKS6 (ankyrin repeat and sterile alpha motif domain containing 6; minus strand). Cytogenetic location: 9q22.33.
Variant type: single nucleotide variant.
Coding change: c.1117A>G on transcript NM_173551.5 (MANE Select); coding-DNA position 1117, A replaced by G.
Protein change: p.Lys373Glu; replaces lysine 373 with glutamic acid.
Molecular consequence: missense variant.
Genome position (GRCh38, 1-based): chr9:98,782,569, T>C on the plus strand (A>G on the coding strand, the complement: ANKS6 is on the minus strand). VCF-style: chr9-98782569-T-C. GRCh37 (hg19) VCF-style: chr9-101544851-T-C.
Other names: short protein forms K373E.
Identifiers: ClinVar variation 1414220 (VCV001414220.8), dbSNP rs2118118181, ClinGen allele CA374216679.